The following is an entry in ClinVar:

NM_002292.4(LAMB2):c.5156G>A (p.Arg1719His)

Gene: LAMB2 (laminin subunit beta 2; minus strand). Cytogenetic location: 3p21.31.
Variant type: single nucleotide variant.
Coding change: c.5156G>A on transcript NM_002292.4 (MANE Select); coding-DNA position 5156, G replaced by A.
Protein change: p.Arg1719His; replaces arginine 1719 with histidine.
Molecular consequence: missense variant.
Genome position (GRCh38, 1-based): chr3:49,121,537, C>T on the plus strand (G>A on the coding strand, the complement: LAMB2 is on the minus strand). VCF-style: chr3-49121537-C-T. GRCh37 (hg19) VCF-style: chr3-49158970-C-T.
Other names: short protein forms R1719H.
Identifiers: ClinVar variation 966962 (VCV000966962.7), dbSNP rs1188203180, ClinGen allele CA352680874.

ClinVar aggregate classification (germline): Uncertain significance (1 of 4 stars; one submission).

Conditions:
LAMB2-related infantile-onset nephrotic syndrome. Also called: Nephrotic Syndrome, type 5; NEPHROTIC SYNDROME, TYPE 5, WITHOUT OCULAR ABNORMALITIES; NEPHROTIC SYNDROME, TYPE 5, WITH OCULAR ABNORMALITIES. Identifiers: Orphanet 306507, MedGen C3280113, MONDO:0013621, OMIM 614199.
Pierson syndrome. Also called: MICROCORIA-CONGENITAL NEPHROTIC SYNDROME. Identifiers: Orphanet 2670, MedGen C1836876, MONDO:0012184, OMIM 609049.

gnomAD v4.1: 2 of 1,614,060 alleles (0.00012%); highest among the groups gnomAD compares: Non-Finnish European, 0.00017%; no homozygotes.

Submission:

Labcorp Genetics (formerly Invitae), Labcorp
Classification: Uncertain significance for LAMB2-related infantile-onset nephrotic syndrome; Pierson syndrome. Last evaluated: 2019-10-03. Review status: criteria provided, single submitter. Criteria: Invitae Variant Classification Sherloc (09022015). Collection method: clinical testing. Allele origin: germline.
Comment: This sequence change replaces arginine with histidine at codon 1719 of the LAMB2 protein (p.Arg1719His). The arginine residue is highly conserved and there is a small physicochemical difference between arginine and histidine. This variant is not present in population databases (ExAC no frequency). This variant has not been reported in the literature in individuals with LAMB2-related conditions. Algorithms developed to predict the effect of missense changes on protein structure and function (SIFT, PolyPhen-2, Align-GVGD) all suggest that this variant is likely to be tolerated, but these predictions have not been confirmed by published functional studies and their clinical significance is uncertain. In summary, the available evidence is currently insufficient to determine the role of this variant in disease. Therefore, it has been classified as a Variant of Uncertain Significance.